The following is an entry in ClinVar:

ClinVar aggregate classification (germline): Likely pathogenic (1 of 4 stars; one submission).

Conditions:
Hereditary cancer-predisposing syndrome. Also called: Neoplastic Syndromes, Hereditary; Tumor predisposition; Hereditary Cancer Syndrome; Hereditary neoplastic syndrome. Identifiers: Orphanet 140162, MedGen C0027672, MeSH D009386, MONDO:0015356.

Submission:

Ambry Genetics
Classification: Likely pathogenic for Hereditary cancer-predisposing syndrome. Last evaluated: 2022-08-19. Review status: criteria provided, single submitter. Criteria: Ambry Variant Classification Scheme 2023. Collection method: clinical testing. Allele origin: germline.
Comment: The c.3814+2T>G intronic variant results from a T to G substitution two nucleotides after coding exon 30 in the TSC2 gene. Alterations that disrupt the canonical splice site are expected to result in aberrant splicing. In silico splice site analysis predicts that this alteration will weaken the native splice donor site. The resulting transcript is predicted to be in-frame and is not expected to trigger nonsense-mediated mRNAdecay; however, direct evidence is unavailable. The exact functional effect of the altered amino acid sequence is unknown; however, the impacted region is critical for protein function (Ambry internal data). This alteration was identified in a patient with hypomelanotic macules, cortical tubers, and subependymal nodules (Mir A et al. J Pediatr Epilepsy, 2017;6:164&ndash;168). This variant is considered to be rare based on population cohorts in the Genome Aggregation Database (gnomAD). This nucleotide position is highly conserved in available vertebrate species. Based on the majority of available evidence to date, this variant is likely to be pathogenic.

NM_000548.5(TSC2):c.3814+2T>G

Gene: TSC2 (TSC complex subunit 2; plus strand). Cytogenetic location: 16p13.3.
Variant type: single nucleotide variant.
Coding change: c.3814+2T>G on transcript NM_000548.5 (MANE Select); the canonical splice donor site of the intron after coding-DNA position 3814, T replaced by G.
Molecular consequence: splice donor variant.
Genome position (GRCh38, 1-based): chr16:2,081,800, T>G. VCF-style: chr16-2081800-T-G. GRCh37 (hg19) VCF-style: chr16-2131801-T-G.
Other names: c.2341+2T>G (NM_001406693.1, NM_001406690.1, NM_001406692.1 and 1 more transcripts); c.3775+2T>G (NM_001406667.1); c.3772+2T>G (NM_001406668.1); c.3214+2T>G (NM_001406680.1, NM_001406683.1, NM_001406682.1); c.3082+2T>G (NM_001406687.1, NM_001318831.2, NM_001406688.1); c.2470+2T>G (NM_001406689.1); c.2338+2T>G (NM_001406691.1, NM_001406697.1, NM_001406695.1 and 1 more transcripts); c.2080+2T>G (NM_001406698.1); and 18 more.
Identifiers: ClinVar variation 1735184 (VCV001735184.2), dbSNP rs2544164322, ClinGen allele CA394293706.